The following is an entry in ClinVar:

NM_001288705.3(CSF1R):c.601G>C (p.Gly201Arg)

Gene: CSF1R (colony stimulating factor 1 receptor; minus strand). Cytogenetic location: 5q32.
Variant type: single nucleotide variant.
Coding change: c.601G>C on transcript NM_001288705.3 (MANE Select); coding-DNA position 601, G replaced by C.
Protein change: p.Gly201Arg; replaces glycine 201 with arginine.
Molecular consequence: missense variant. On other transcripts: non-coding transcript variant (2).
Genome position (GRCh38, 1-based): chr5:150,078,240, C>G on the plus strand (G>C on the coding strand, the complement: CSF1R is on the minus strand). VCF-style: chr5-150078240-C-G. GRCh37 (hg19) VCF-style: chr5-149457803-C-G.
Other names: c.601G>C, p.Gly201Arg (NM_001349736.2, NM_001375320.1, NM_005211.4); c.157G>C, p.Gly53Arg (NM_001375321.1); short protein forms G201R, G53R.
Identifiers: ClinVar variation 1198341 (VCV001198341.11), dbSNP rs1161693014, ClinGen allele CA361730505.

ClinVar aggregate classification (germline): Conflicting classifications of pathogenicity. Review status: criteria provided, conflicting classifications (1 of 4 stars). 2 submissions from 2 submitters: Uncertain significance (1); Likely benign (1). Last evaluated 2026-10-08.

Allele frequency attached by ClinVar (database versions not stated): gnomAD exomes 0.00001 and below 0.00001; gnomAD 0.00003 and 0.00004; TOPMed 0.00002.
gnomAD v4.1: 10 of 1,613,954 alleles (0.00062%); highest among the groups gnomAD compares: African/African-American, 0.0067%; no homozygotes.

Submissions (2):

GeneDx
Classification: Uncertain significance. Last evaluated: 2026-10-08. Review status: criteria provided, single submitter. Criteria: GeneDx Variant Classification Process June 2021. Collection method: clinical testing. Allele origin: germline.
Comment: In silico analysis suggests that this missense variant does not alter protein structure/function; Has not been previously published as pathogenic or benign to our knowledge

Labcorp Genetics (formerly Invitae), Labcorp
Classification: Likely benign. Last evaluated: 2024-12-09. Review status: criteria provided, single submitter. Criteria: Invitae Variant Classification Sherloc (09022015). Collection method: clinical testing. Allele origin: germline.